The following is an entry in ClinVar:

NM_001170700.3(DTHD1):c.1679dup (p.Asn560fs)

Gene: DTHD1 (death domain containing 1; plus strand). Cytogenetic location: 4p14.
Variant type: Duplication.
Coding change: c.1679dup on transcript NM_001170700.3 (MANE Select); coding-DNA position 1679, one base duplicated (A; older notation c.1679dupA).
Protein change: p.Asn560fs; shifts the reading frame from asparagine 560.
Molecular consequence: frameshift variant. On other transcripts: non-coding transcript variant (2).
Genome position (GRCh38, 1-based): chr4:36,306,226, A duplicated; the last of 5 consecutive A bases (chr4:36,306,222-36,306,226); duplicating any one gives the same sequence. VCF-style (leftmost placement, unchanged base first): chr4-36306221-G-GA. GRCh37 (hg19) VCF-style: chr4-36307843-G-GA.
Other names: c.809dup, p.Asn270fs (NM_001136536.5); c.746dup, p.Asn249fs (NM_001378435.1); short protein forms N249fs, N270fs, N560fs.
Identifiers: ClinVar variation 2908604 (VCV002908604.3), dbSNP rs1455918635, ClinGen allele CA550957826.
Genomic context (GRCh38, chr4:36,306,221, plus strand): 5'-ACCAATATCTCTTCTGTTACCATTATATAGGACAAAAATTGCCTCCATAAGAAAACCTAG[G>GA]AAAAATGCCAGTGAATGTTTGAAATTACTGGGATTCAGAAGCCAAGACAGTGGTTGGTGT-3'

ClinVar aggregate classification (germline): Uncertain significance (1 of 4 stars; one submission).

Submission:

Labcorp Genetics (formerly Invitae), Labcorp
Classification: Uncertain significance. Last evaluated: 2024-01-15. Review status: criteria provided, single submitter. Criteria: Invitae Variant Classification Sherloc (09022015). Collection method: clinical testing. Allele origin: germline.
Comment: This sequence change creates a premature translational stop signal (p.Asn270Lysfs*4) in the DTHD1 gene. It is expected to result in an absent or disrupted protein product. However, the current clinical and genetic evidence is not sufficient to establish whether loss-of-function variants in DTHD1 cause disease. This variant is present in population databases (no rsID available, gnomAD 0.007%). This variant has not been reported in the literature in individuals affected with DTHD1-related conditions. Algorithms developed to predict the effect of sequence changes on RNA splicing suggest that this variant may disrupt the consensus splice site. In summary, the available evidence is currently insufficient to determine the role of this variant in disease. Therefore, it has been classified as a Variant of Uncertain Significance.